The following is an entry in ClinVar:

NM_014141.6(CNTNAP2):c.256C>T (p.Gln86Ter)

Gene: CNTNAP2 (contactin associated protein 2; plus strand). Cytogenetic location: 7q35.
Variant type: single nucleotide variant.
Coding change: c.256C>T on transcript NM_014141.6 (MANE Select); coding-DNA position 256, C replaced by T.
Protein change: p.Gln86Ter; replaces glutamine 86 with a stop codon.
Molecular consequence: nonsense.
Genome position (GRCh38, 1-based): chr7:146,839,758, C>T. VCF-style: chr7-146839758-C-T. GRCh37 (hg19) VCF-style: chr7-146536850-C-T.
Other names: short protein forms Q86*.
Identifiers: ClinVar variation 5007175 (VCV005007175.2).

ClinVar aggregate classification (germline): Likely pathogenic (1 of 4 stars; one submission).

Conditions:
Cortical dysplasia-focal epilepsy syndrome (PTHSL1). Also called: Pitt-Hopkins-like syndrome 1. Identifiers: Orphanet 163681, Orphanet 221150, MedGen C2750246, MONDO:0012400, OMIM 610042.
Autism, susceptibility to, 15. Also called: Autism susceptibility 15. Identifiers: MedGen C2677504, MONDO:0012801, OMIM 612100.

Submission:

Juno Genomics, Hangzhou Juno Genomics, Inc
Classification: Likely pathogenic for Autism, susceptibility to, 15; Cortical dysplasia-focal epilepsy syndrome. Review status: criteria provided, single submitter. Criteria: ACMG Guidelines, 2015. Collection method: clinical testing. Allele origin: germline.
Comment: Null variant in a gene where loss of function (LOF) is a known mechanism of disease.;Absent from controls (or at extremely low frequency if recessive) in Genome Aggregation Database.